The following is an entry in ClinVar:

ClinVar aggregate classification (germline): Conflicting classifications of pathogenicity. Review status: criteria provided, conflicting classifications (1 of 4 stars). 8 submissions from 8 submitters: Uncertain significance (6); Likely benign (1). 1 of the submissions does not count toward it. Last evaluated 2026-04-14.

Conditions:
Inborn genetic diseases. Identifiers: MedGen C0950123, MeSH D030342.
Spastic paraplegia. Identifiers: MedGen C0037772, HP:0001258.
KIF5A-related disorder. Also called: KIF5A-related disorders; KIF5A-related condition.
Hereditary spastic paraplegia 10 (SPG10). Also called: SPASTIC PARAPLEGIA 10, AUTOSOMAL DOMINANT; SPASTIC PARAPLEGIA 10 WITH OR WITHOUT PERIPHERAL NEUROPATHY; SPASTIC PARAPLEGIA 10 WITH PERIPHERAL NEUROPATHY. Identifiers: Orphanet 100991, MedGen C1858712, MONDO:0011408, OMIM 604187.

Allele frequency attached by ClinVar (database versions not stated): ExAC 0.00002; gnomAD 0.00002; gnomAD exomes 0.00002; TOPMed 0.00003; ESP Exome Variant Server 0.00015.
gnomAD v4.1: 31 of 1,613,478 alleles (0.0019%); highest among the groups gnomAD compares: Admixed American, 0.0033%; no homozygotes.

Submissions (8):

PreventionGenetics, part of Exact Sciences
Classification: Uncertain significance for KIF5A-related condition. Last evaluated: 2026-04-14. Review status: criteria provided, single submitter. Criteria: ACMG Guidelines, 2015. Collection method: clinical testing. Allele origin: germline.
Comment: The KIF5A c.2990A>T variant is predicted to result in the amino acid substitution p.Asn997Ile. To our knowledge, this variant has not been reported in the literature. This variant is reported in 0.0056% of alleles in individuals of Latino descent in gnomAD. At this time, the clinical significance of this variant is uncertain due to the absence of conclusive functional and genetic evidence.

Mayo Clinic Laboratories, Mayo Clinic
Classification: Uncertain significance. Last evaluated: 2025-12-05. Review status: criteria provided, single submitter. Criteria: ACMG Guidelines, 2015. Collection method: clinical testing. Allele origin: germline. Observed: 1 variant allele.

Labcorp Genetics (formerly Invitae), Labcorp
Classification: Uncertain significance for Spastic paraplegia. Last evaluated: 2024-12-02. Review status: criteria provided, single submitter. Criteria: Invitae Variant Classification Sherloc (09022015). Collection method: clinical testing. Allele origin: germline.
Comment: This sequence change replaces asparagine, which is neutral and polar, with isoleucine, which is neutral and non-polar, at codon 997 of the KIF5A protein (p.Asn997Ile). This variant is present in population databases (rs146202502, gnomAD 0.006%). This variant has not been reported in the literature in individuals affected with KIF5A-related conditions. ClinVar contains an entry for this variant (Variation ID: 560370). An algorithm developed to predict the effect of missense changes on protein structure and function (PolyPhen-2) suggests that this variant is likely to be tolerated. In summary, the available evidence is currently insufficient to determine the role of this variant in disease. Therefore, it has been classified as a Variant of Uncertain Significance.

Ambry Genetics
Classification: Uncertain significance for Inborn genetic diseases. Last evaluated: 2024-04-08. Review status: criteria provided, single submitter. Criteria: Ambry Variant Classification Scheme 2023. Collection method: clinical testing. Allele origin: germline.

CeGaT Center for Human Genetics Tuebingen
Classification: Uncertain significance. Last evaluated: 2023-07-01. Review status: criteria provided, single submitter. Criteria: CeGaT Center For Human Genetics Tuebingen Variant Classification Criteria Version 2. Collection method: clinical testing. Allele origin: germline. Affected: yes. Observed: 1 variant allele.

MGZ Medical Genetics Center
Classification: Uncertain significance for Hereditary spastic paraplegia 10. Last evaluated: 2021-08-26. Review status: criteria provided, single submitter. Criteria: ACMG Guidelines, 2015. Collection method: clinical testing. Allele origin: germline. Affected: yes. Observed: 1 variant allele.
Comment: ACMG criteria applied: PM2_SUP, PP3

GeneDx
Classification: Likely benign. Last evaluated: 2019-04-18. Review status: criteria provided, single submitter. Criteria: GeneDx Variant Classification Process June 2021. Collection method: clinical testing. Allele origin: germline. Affected: yes.

Institute of Human Genetics, University of Wuerzburg
Classification: Uncertain significance for Spastic paraplegia. Review status: no assertion criteria provided. Collection method: clinical testing. Allele origin: unknown. Not counted in ClinVar's aggregate classification.

NM_004984.4(KIF5A):c.2990A>T (p.Asn997Ile)

Gene: KIF5A (kinesin family member 5A; plus strand). Cytogenetic location: 12q13.3.
Variant type: single nucleotide variant.
Coding change: c.2990A>T on transcript NM_004984.4 (MANE Select); coding-DNA position 2990, A replaced by T.
Protein change: p.Asn997Ile; replaces asparagine 997 with isoleucine.
Molecular consequence: missense variant.
Genome position (GRCh38, 1-based): chr12:57,581,950, A>T. VCF-style: chr12-57581950-A-T. GRCh37 (hg19) VCF-style: chr12-57975733-A-T.
Other names: p.Asn997Ile; c.2723A>T, p.Asn908Ile (NM_001354705.2); short protein forms N997I, N908I.
Identifiers: ClinVar variation 560370 (VCV000560370.37), dbSNP rs146202502, ClinGen allele CA6653264.